The following is an entry in ClinVar:

NM_006593.4(TBR1):c.1007G>A (p.Arg336His)

Gene: TBR1 (T-box brain transcription factor 1; plus strand). Cytogenetic location: 2q24.2.
Variant type: single nucleotide variant.
Coding change: c.1007G>A on transcript NM_006593.4 (MANE Select); coding-DNA position 1007, G replaced by A.
Protein change: p.Arg336His; replaces arginine 336 with histidine.
Molecular consequence: missense variant.
Genome position (GRCh38, 1-based): chr2:161,418,929, G>A. VCF-style: chr2-161418929-G-A. GRCh37 (hg19) VCF-style: chr2-162275440-G-A.
Other names: short protein forms R336H.
Identifiers: ClinVar variation 1678825 (VCV001678825.2), dbSNP rs1684180132, ClinGen allele CA349212747.

ClinVar aggregate classification (germline): Uncertain significance (1 of 4 stars; one submission).

Allele frequency attached by ClinVar (database versions not stated): gnomAD exomes below 0.00001.
gnomAD v4.1: 2 of 1,614,152 alleles (0.00012%); highest among the groups gnomAD compares: Non-Finnish European, 0.00017%; no homozygotes.

Submission:

GeneDx
Classification: Uncertain significance. Last evaluated: 2021-10-20. Review status: criteria provided, single submitter. Criteria: GeneDx Variant Classification Process June 2021. Collection method: clinical testing. Allele origin: germline. Affected: yes.
Comment: Has not been previously published as pathogenic or benign to our knowledge; Not observed at significant frequency in large population cohorts (gnomAD); In silico analysis supports that this missense variant has a deleterious effect on protein structure/function